The following is an entry in ClinVar:

NM_000257.4(MYH7):c.4010G>C (p.Arg1337Pro)

Gene: MYH7 (myosin heavy chain 7; minus strand). Cytogenetic location: 14q11.2.
Variant type: single nucleotide variant.
Coding change: c.4010G>C on transcript NM_000257.4 (MANE Select); coding-DNA position 4010, G replaced by C.
Protein change: p.Arg1337Pro; replaces arginine 1337 with proline.
Molecular consequence: missense variant.
Genome position (GRCh38, 1-based): chr14:23,418,369, C>G on the plus strand (G>C on the coding strand, the complement: MYH7 is on the minus strand). VCF-style: chr14-23418369-C-G. GRCh37 (hg19) VCF-style: chr14-23887578-C-G.
Other names: short protein forms R1337P.
Identifiers: ClinVar variation 835697 (VCV000835697.11), dbSNP rs368575559, ClinGen allele CA389041237.

ClinVar aggregate classification (germline): Uncertain significance. Review status: criteria provided, multiple submitters, no conflicts (2 of 4 stars). 2 submissions from 2 submitters: Uncertain significance (2). Last evaluated 2023-08-19.

Conditions:
Hypertrophic cardiomyopathy. Also called: HYPERTROPHIC MYOCARDIOPATHY. Identifiers: Orphanet 217569, MedGen C0007194, MeSH D002312, MONDO:0005045, HP:0001639.

Submissions (2):

Labcorp Genetics (formerly Invitae), Labcorp
Classification: Uncertain significance for Hypertrophic cardiomyopathy. Last evaluated: 2023-08-19. Review status: criteria provided, single submitter. Criteria: Invitae Variant Classification Sherloc (09022015). Collection method: clinical testing. Allele origin: germline.
Comment: This variant has not been reported in the literature in individuals affected with MYH7-related conditions. This variant is not present in population databases (gnomAD no frequency). This sequence change replaces arginine, which is basic and polar, with proline, which is neutral and non-polar, at codon 1337 of the MYH7 protein (p.Arg1337Pro). ClinVar contains an entry for this variant (Variation ID: 835697). In summary, the available evidence is currently insufficient to determine the role of this variant in disease. Therefore, it has been classified as a Variant of Uncertain Significance. Advanced modeling of protein sequence and biophysical properties (such as structural, functional, and spatial information, amino acid conservation, physicochemical variation, residue mobility, and thermodynamic stability) performed at Invitae indicates that this missense variant is expected to disrupt MYH7 protein function.

GeneDx
Classification: Uncertain significance. Last evaluated: 2021-08-09. Review status: criteria provided, single submitter. Criteria: GeneDx Variant Classification Process June 2021. Collection method: clinical testing. Allele origin: germline. Affected: yes.
Comment: Not observed in large population cohorts (Lek et al., 2016); In silico analysis, which includes protein predictors and evolutionary conservation, supports a deleterious effect; Has not been previously published as pathogenic or benign to our knowledge